The following is an entry in ClinVar:

NM_001244008.2(KIF1A):c.333G>C (p.Gln111His)

Gene: KIF1A (kinesin family member 1A; minus strand). Cytogenetic location: 2q37.3.
Variant type: single nucleotide variant.
Coding change: c.333G>C on transcript NM_001244008.2 (MANE Select); coding-DNA position 333, G replaced by C.
Protein change: p.Gln111His; replaces glutamine 111 with histidine.
Molecular consequence: missense variant.
Genome position (GRCh38, 1-based): chr2:240,788,081, C>G on the plus strand (G>C on the coding strand, the complement: KIF1A is on the minus strand). VCF-style: chr2-240788081-C-G. GRCh37 (hg19) VCF-style: chr2-241727498-C-G.
Other names: c.333G>C, p.Gln111His (NM_001379639.1, NM_001379640.1, NM_001379641.1 and 20 more transcripts); short protein forms Q111H.
Identifiers: ClinVar variation 1371562 (VCV001371562.6), dbSNP rs2055179473, ClinGen allele CA351310084.

ClinVar aggregate classification (germline): Uncertain significance (1 of 4 stars; one submission).

Conditions:
Hereditary spastic paraplegia 30. Identifiers: Orphanet 101010, MedGen C5235139, MONDO:0012476.
Neuropathy, hereditary sensory, type 2C. Also called: Hereditary sensory and autonomic neuropathy type IIC; KIF1A-Related HSAN2 (HSAN2C). Identifiers: Orphanet 970, MedGen C3280168, MONDO:0013634, OMIM 614213.
Intellectual disability, autosomal dominant 9 (NESCAVS). Also called: NESCAV SYNDROME; KIF1A-Related Neurodevelopmental Disorder. Identifiers: Orphanet 662367, MedGen C5393830, MONDO:0013656, OMIM 614255.

Allele frequency attached by ClinVar (database versions not stated): gnomAD 0.00001.
gnomAD v4.1: 1 of 1,588,122 alleles (0.000063%); highest among the groups gnomAD compares: African/African-American, 0.0013%; no homozygotes.

Submission:

Labcorp Genetics (formerly Invitae), Labcorp
Classification: Uncertain significance for Hereditary spastic paraplegia 30; Neuropathy, hereditary sensory, type 2C; Intellectual disability, autosomal dominant 9. Last evaluated: 2024-05-22. Review status: criteria provided, single submitter. Criteria: Invitae Variant Classification Sherloc (09022015). Collection method: clinical testing. Allele origin: germline.
Comment: This sequence change replaces glutamine, which is neutral and polar, with histidine, which is basic and polar, at codon 111 of the KIF1A protein (p.Gln111His). This variant is not present in population databases (gnomAD no frequency). This variant has not been reported in the literature in individuals affected with KIF1A-related conditions. ClinVar contains an entry for this variant (Variation ID: 1371562). Advanced modeling of protein sequence and biophysical properties (such as structural, functional, and spatial information, amino acid conservation, physicochemical variation, residue mobility, and thermodynamic stability) performed at Invitae indicates that this missense variant is expected to disrupt KIF1A protein function with a positive predictive value of 95%. In summary, the available evidence is currently insufficient to determine the role of this variant in disease. Therefore, it has been classified as a Variant of Uncertain Significance.